The following is an entry in ClinVar:

NM_017636.4(TRPM4):c.1501C>A (p.Pro501Thr)

Gene: TRPM4 (transient receptor potential cation channel subfamily M member 4; plus strand). Cytogenetic location: 19q13.33.
Variant type: single nucleotide variant.
Coding change: c.1501C>A on transcript NM_017636.4 (MANE Select); coding-DNA position 1501, C replaced by A.
Protein change: p.Pro501Thr; replaces proline 501 with threonine.
Molecular consequence: missense variant. On other transcripts: 5 prime UTR variant (1).
Genome position (GRCh38, 1-based): chr19:49,182,815, C>A. VCF-style: chr19-49182815-C-A. GRCh37 (hg19) VCF-style: chr19-49686072-C-A.
Other names: c.1501C>A, p.Pro501Thr (NM_001195227.2); c.1156C>A, p.Pro386Thr (NM_001321281.2); c.-53C>A (NM_001321282.2); c.979C>A, p.Pro327Thr (NM_001321283.2); c.439C>A, p.Pro147Thr (NM_001321285.2); short protein forms P147T, P327T, P386T, P501T.
Identifiers: ClinVar variation 4615265 (VCV004615265.2).

ClinVar aggregate classification (germline): Uncertain significance. Review status: criteria provided, multiple submitters, no conflicts (2 of 4 stars). 2 submissions from 2 submitters: Uncertain significance (2). Last evaluated 2025-10-01.

Conditions:
Cardiovascular phenotype. Identifiers: MedGen CN230736.
Progressive familial heart block type IB (PFHB1B). Identifiers: Orphanet 871, MedGen C1970298, MONDO:0011474, OMIM 604559.

Submissions (2):

Ambry Genetics
Classification: Uncertain significance for Cardiovascular phenotype. Last evaluated: 2025-10-01. Review status: criteria provided, single submitter. Criteria: Ambry Variant Classification Scheme 2023. Collection method: clinical testing. Allele origin: germline.
Comment: The p.P501T variant (also known as c.1501C>A), located in coding exon 11 of the TRPM4 gene, results from a C to A substitution at nucleotide position 1501. The proline at codon 501 is replaced by threonine, an amino acid with highly similar properties. This amino acid position is conserved. In addition, this alteration is predicted to be tolerated by in silico analysis. Based on the available evidence, the clinical significance of this variant remains unclear.

Labcorp Genetics (formerly Invitae), Labcorp
Classification: Uncertain significance for Progressive familial heart block type IB. Last evaluated: 2025-10-01. Review status: criteria provided, single submitter. Criteria: Invitae Variant Classification Sherloc (09022015). Collection method: clinical testing. Allele origin: germline.
Comment: This sequence change replaces proline, which is neutral and non-polar, with threonine, which is neutral and polar, at codon 501 of the TRPM4 protein (p.Pro501Thr). This variant is not present in population databases (gnomAD no frequency). This variant has not been reported in the literature in individuals affected with TRPM4-related conditions. An algorithm developed to predict the effect of missense changes on protein structure and function (PolyPhen-2) suggests that this variant is likely to be tolerated. In summary, the available evidence is currently insufficient to determine the role of this variant in disease. Therefore, it has been classified as a Variant of Uncertain Significance.